The following is an entry in ClinVar:

ClinVar aggregate classification (germline): Likely benign. Review status: criteria provided, multiple submitters, no conflicts (2 of 4 stars). 2 submissions from 2 submitters: Likely benign (2). Last evaluated 2026-01-19.

Conditions:
Inborn genetic diseases. Identifiers: MedGen C0950123, MeSH D030342.

Allele frequency attached by ClinVar (database versions not stated): gnomAD 0.00002; TOPMed 0.00003; gnomAD exomes 0.00005; ExAC 0.00015.

Submissions (2):

Women's Health and Genetics/Laboratory Corporation of America, LabCorp
Classification: Likely benign. Last evaluated: 2026-01-19. Review status: criteria provided, single submitter. Criteria: LabCorp Variant Classification Summary - May 2015. Collection method: clinical testing. Allele origin: germline.
Comment: Variant summary: KATNB1 c.788G>A (p.Arg263Gln) results in a conservative amino acid change in the encoded protein sequence. Algorithms developed to predict the effect of missense changes on protein structure and function are either unavailable or do not agree on the potential impact of this missense change. The variant allele was found at a frequency of 0.00011 in 245318 control chromosomes, predominantly at a frequency of 0.00087 within the East Asian subpopulation in the gnomAD database, including 1 homozygote. To our knowledge, no occurrence of c.788G>A in individuals affected with KATNB1-related conditions and no experimental evidence demonstrating its impact on protein function have been reported. ClinVar contains an entry for this variant (Variation ID: 2463345). Based on the evidence outlined above, the variant was classified as likely benign.

Ambry Genetics
Classification: Likely benign for Inborn genetic diseases. Last evaluated: 2023-02-24. Review status: criteria provided, single submitter. Criteria: Ambry Variant Classification Scheme 2023. Collection method: clinical testing. Allele origin: germline.

NM_005886.3(KATNB1):c.788G>A (p.Arg263Gln)

Gene: KATNB1 (katanin regulatory subunit B1; plus strand). Cytogenetic location: 16q21.
Variant type: single nucleotide variant.
Coding change: c.788G>A on transcript NM_005886.3 (MANE Select); coding-DNA position 788, G replaced by A.
Protein change: p.Arg263Gln; replaces arginine 263 with glutamine.
Molecular consequence: missense variant.
Genome position (GRCh38, 1-based): chr16:57,752,861, G>A. VCF-style: chr16-57752861-G-A. GRCh37 (hg19) VCF-style: chr16-57786773-G-A.
Other names: short protein forms R263Q.
Identifiers: ClinVar variation 2463345 (VCV002463345.3), dbSNP rs782672640, ClinGen allele CA8080894.